The following is an entry in ClinVar:

ClinVar aggregate classification (germline): Likely pathogenic (1 of 4 stars; one submission).

Conditions:
Lissencephaly due to LIS1 mutation (LIS1). Also called: Isolated Lissencephaly Sequence; PAFAH1B1-Related Lissencephaly/Subcortical Band Heterotopia; PAFAH1B1-Associated Lissencephaly/Subcortical Band Heterotopia. Identifiers: Orphanet 95232, MedGen C4749301, MONDO:0011830, OMIM 607432.

Submission:

Dasa
Classification: Likely pathogenic for Lissencephaly due to LIS1 mutation. Last evaluated: 2025-07-10. Review status: criteria provided, single submitter. Criteria: DASA Assertion Criteria. Collection method: clinical testing. Allele origin: germline.
Comment: NM_000430.4(PAFAH1B1):c.316_327del (p.Gly106_Ser109del) is an in-frame deletion predicted to remove amino acids from glycine at protein position 106 through serine at protein position 109 without shifting the reading frame. This variant is absent from population databases. Based on the currently available evidence, this variant is classified as likely pathogenic.

NM_000430.4(PAFAH1B1):c.316_327del (p.Gly106_Ser109del)

Gene: PAFAH1B1 (platelet activating factor acetylhydrolase 1b regulatory subunit 1; plus strand). Cytogenetic location: 17p13.3.
Variant type: Deletion.
Coding change: c.316_327del on transcript NM_000430.4 (MANE Select); coding-DNA positions 316 to 327, 12 bases deleted (GGTCACAGGAGT).
Protein change: p.Gly106_Ser109del.
Molecular consequence: inframe deletion.
Genome position (GRCh38, 1-based): chr17:2,667,115-2,667,126, GGTCACAGGAGT deleted; deleting any 12 consecutive bases within chr17:2,667,111-2,667,126 gives the same sequence; the c. name uses the placement nearest the transcript's 3' end. VCF-style (leftmost placement, unchanged base first): chr17-2667110-TGAGTGGTCACAG-T. GRCh37 (hg19) VCF-style: chr17-2570404-TGAGTGGTCACAG-T.
Identifiers: ClinVar variation 4884120 (VCV004884120.2).